The following is an entry in ClinVar:

NM_001377.3(DYNC2H1):c.6332G>A (p.Gly2111Glu)

Gene: DYNC2H1 (dynein cytoplasmic 2 heavy chain 1; plus strand). Cytogenetic location: 11q22.3.
Variant type: single nucleotide variant.
Coding change: c.6332G>A on transcript NM_001377.3 (MANE Select); coding-DNA position 6332, G replaced by A.
Protein change: p.Gly2111Glu; replaces glycine 2111 with glutamic acid.
Molecular consequence: missense variant.
Genome position (GRCh38, 1-based): chr11:103,179,218, G>A. VCF-style: chr11-103179218-G-A. GRCh37 (hg19) VCF-style: chr11-103049947-G-A.
Other names: c.6332G>A, p.Gly2111Glu (NM_001080463.2); short protein forms G2111E.
Identifiers: ClinVar variation 4773061 (VCV004773061.1).

ClinVar aggregate classification (germline): Likely pathogenic (1 of 4 stars; one submission).

Conditions:
Jeune thoracic dystrophy. Also called: Jeune syndrome; Infantile thoracic dystrophy; Thoracic pelvic phalangeal dystrophy; Jeune's syndrome; Chondroectodermal dysplasia-like syndrome; Short-rib thoracic dysplasia. Identifiers: Orphanet 474, MedGen C0265275, MONDO:0018770.

gnomAD v4.1: 1 of 1,612,712 alleles (0.000062%); highest among the groups gnomAD compares: Non-Finnish European, 0.000085%; no homozygotes.

Submission:

Labcorp Genetics (formerly Invitae), Labcorp
Classification: Likely pathogenic for Jeune thoracic dystrophy. Last evaluated: 2025-11-25. Review status: criteria provided, single submitter. Criteria: Invitae Variant Classification Sherloc (09022015). Collection method: clinical testing. Allele origin: germline.
Comment: This sequence change replaces glycine, which is neutral and non-polar, with glutamic acid, which is acidic and polar, at codon 2111 of the DYNC2H1 protein (p.Gly2111Glu). This variant is present in population databases (rs370403709, gnomAD 0.0009%). This missense change has been observed in individual(s) with short rib polydactyly type III (PMID: 34529350). In at least one individual the data is consistent with being in trans (on the opposite chromosome) from a pathogenic variant. Invitae Evidence Modeling of protein sequence and biophysical properties (such as structural, functional, and spatial information, amino acid conservation, physicochemical variation, residue mobility, and thermodynamic stability) indicates that this missense variant is expected to disrupt DYNC2H1 protein function with a positive predictive value of 95%. In summary, the currently available evidence indicates that the variant is pathogenic, but additional data are needed to prove that conclusively. Therefore, this variant has been classified as Likely Pathogenic.

Literature cited by the submitters: PubMed 34529350.